The following is an entry in ClinVar:

NM_003060.4(SLC22A5):c.*1179G>T

Gene: SLC22A5 (solute carrier family 22 member 5; plus strand). Cytogenetic location: 5q31.1.
Variant type: single nucleotide variant.
Coding change: c.*1179G>T on transcript NM_003060.4 (MANE Select); 1179 bases downstream of the stop codon, G replaced by T.
Molecular consequence: 3 prime UTR variant.
Genome position (GRCh38, 1-based): chr5:132,395,451, G>T. VCF-style: chr5-132395451-G-T. GRCh37 (hg19) VCF-style: chr5-131731143-G-T.
Other names: NC_000005.9:g.131731143G>T; c.*1179G>T (NM_001308122.2).
Identifiers: ClinVar variation 350834 (VCV000350834.6), dbSNP rs79274129, ClinGen allele CA10622526.

ClinVar aggregate classification (germline): Likely benign (1 of 4 stars; one submission).

Conditions:
Renal carnitine transport defect (CDSP). Also called: Primary carnitine deficiency; Systemic primary carnitine deficiency; Systemic primary carnitine deficiency disease; CARNITINE DEFICIENCY, SYSTEMIC, DUE TO DEFECT IN RENAL REABSORPTION OF CARNITINE; CARNITINE TRANSPORTER, PLASMA-MEMBRANE, DEFICIENCY OF; CARNITINE UPTAKE DEFECT. Identifiers: Orphanet 158, MedGen C0342788, MONDO:0008919, OMIM 212140.

Allele frequency attached by ClinVar (database versions not stated): gnomAD 0.02170 and 0.02344; 1000 Genomes Project 0.02196; 1000 Genomes Project 30x 0.02311; TOPMed 0.02461.

Submissions (7):

Illumina Laboratory Services, Illumina
Classification: Likely benign for Renal carnitine transport defect. Last evaluated: 2017-04-28. Review status: criteria provided, single submitter. Criteria: ICSL Variant Classification Criteria 13 December 2019. Collection method: clinical testing. Allele origin: germline.
Comment: This variant was observed as part of a predisposition screen in an ostensibly healthy population. A literature search was performed for the gene, cDNA change, and amino acid change (where applicable). No publications were found based on this search. Allele frequency data from public databases allowed determination this variant is unlikely to cause disease. Therefore, this variant is classified as likely benign.

Dr. Peter K. Rogan Lab, Western University
No classification provided (evidence only). Condition: Acute myeloid leukemia. Review status: no classification provided. Collection method: in vitro. Allele origin: not applicable. Functional consequence: retained intron. Not counted in ClinVar's aggregate classification.

Dr. Peter K. Rogan Lab, Western University
No classification provided (evidence only). Condition: Uterine corpus endometrial carcinoma. Review status: no classification provided. Collection method: in vitro. Allele origin: not applicable. Functional consequence: retained intron. Not counted in ClinVar's aggregate classification.

Dr. Peter K. Rogan Lab, Western University
No classification provided (evidence only). Condition: Uterine corpus endometrial carcinoma. Review status: no classification provided. Collection method: in vitro. Allele origin: not applicable. Functional consequence: retained intron. Not counted in ClinVar's aggregate classification.

Dr. Peter K. Rogan Lab, Western University
No classification provided (evidence only). Condition: Cervical cancer. Review status: no classification provided. Collection method: in vitro. Allele origin: not applicable. Functional consequence: retained intron. Not counted in ClinVar's aggregate classification.

Dr. Peter K. Rogan Lab, Western University
No classification provided (evidence only). Condition: Cholangiocarcinoma. Review status: no classification provided. Collection method: in vitro. Allele origin: not applicable. Functional consequence: retained intron. Not counted in ClinVar's aggregate classification.

Dr. Peter K. Rogan Lab, Western University
No classification provided (evidence only). Condition: Cholangiocarcinoma. Review status: no classification provided. Collection method: in vitro. Allele origin: not applicable. Functional consequence: retained intron. Not counted in ClinVar's aggregate classification.